The following is an entry in ClinVar:

NM_015627.3(LDLRAP1):c.65G>T (p.Trp22Leu)

Genes: LDLRAP1 (low density lipoprotein receptor adaptor protein 1; plus strand), LOC129929773 (ATAC-STARR-seq lymphoblastoid silent region 456; plus strand). Cytogenetic location: 1p36.11.
Variant type: single nucleotide variant.
Coding change: c.65G>T on transcript NM_015627.3 (MANE Select); coding-DNA position 65, G replaced by T.
Protein change: p.Trp22Leu; replaces tryptophan 22 with leucine.
Molecular consequence: missense variant.
Genome position (GRCh38, 1-based): chr1:25,543,763, G>T. VCF-style: chr1-25543763-G-T. GRCh37 (hg19) VCF-style: chr1-25870254-G-T.
Other names: p.Trp22Leu; short protein forms W22L.
Identifiers: ClinVar variation 2049411 (VCV002049411.5), dbSNP rs121908324, ClinGen allele CA19669463.

ClinVar aggregate classification (germline): Uncertain significance. Review status: criteria provided, multiple submitters, no conflicts (2 of 4 stars). 4 submissions from 4 submitters: Uncertain significance (4). Last evaluated 2026-02-02.

Conditions:
Hypercholesterolemia, familial, 4 (FHCL4). Also called: HYPERCHOLESTEROLEMIA, AUTOSOMAL RECESSIVE, 1; HYPERCHOLESTEROLEMIA, AUTOSOMAL RECESSIVE, 2. Identifiers: Orphanet 391665, MedGen C1863512, MONDO:0011374, OMIM 603813.

gnomAD v4.1: 18 of 1,208,548 alleles (0.0015%); highest among the groups gnomAD compares: Admixed American, 0.0088%; no homozygotes.

Submissions (4):

Labcorp Genetics (formerly Invitae), Labcorp
Classification: Uncertain significance for Hypercholesterolemia, familial, 4. Last evaluated: 2026-02-02. Review status: criteria provided, single submitter. Criteria: Invitae Variant Classification Sherloc (09022015). Collection method: clinical testing. Allele origin: germline.
Comment: This sequence change replaces tryptophan, which is neutral and slightly polar, with leucine, which is neutral and non-polar, at codon 22 of the LDLRAP1 protein (p.Trp22Leu). This variant is not present in population databases (gnomAD no frequency). This variant has not been reported in the literature in individuals affected with LDLRAP1-related conditions. ClinVar contains an entry for this variant (Variation ID: 2049411). An algorithm developed to predict the effect of missense changes on protein structure and function (PolyPhen-2) suggests that this variant is likely to be tolerated. In summary, the available evidence is currently insufficient to determine the role of this variant in disease. Therefore, it has been classified as a Variant of Uncertain Significance.

Mayo Clinic Laboratories, Mayo Clinic
Classification: Uncertain significance. Last evaluated: 2025-09-04. Review status: criteria provided, single submitter. Criteria: ACMG Guidelines, 2015. Collection method: clinical testing. Allele origin: germline. Observed: 1 variant allele.
Comment: BP4_moderate, PM2_supporting

Genome-Nilou Lab
Classification: Uncertain significance for Hypercholesterolemia, familial, 4. Last evaluated: 2023-04-11. Review status: criteria provided, single submitter. Criteria: ACMG Guidelines, 2015. Collection method: clinical testing. Allele origin: germline. Affected: no.

New York Genome Center
Classification: Uncertain significance for Hypercholesterolemia, familial, 4. Last evaluated: 2022-03-18. Review status: criteria provided, single submitter. Criteria: NYGC Assertion Criteria 2020. Collection method: clinical testing. Allele origin: germline. Observed: 1 heterozygote.